The following is an entry in ClinVar:

NM_000038.6(APC):c.4481A>T (p.Glu1494Val)

Gene: APC (APC regulator of Wnt signaling pathway; plus strand). Cytogenetic location: 5q22.2.
Variant type: single nucleotide variant.
Coding change: c.4481A>T on transcript NM_000038.6 (MANE Select); coding-DNA position 4481, A replaced by T.
Protein change: p.Glu1494Val; replaces glutamic acid 1494 with valine.
Molecular consequence: missense variant.
Genome position (GRCh38, 1-based): chr5:112,840,075, A>T. VCF-style: chr5-112840075-A-T. GRCh37 (hg19) VCF-style: chr5-112175772-A-T.
Other names: c.4481A>T, p.Glu1494Val (NM_001127510.3, NM_001354895.2, NM_001407450.1); c.4427A>T, p.Glu1476Val (NM_001127511.3); c.4535A>T, p.Glu1512Val (NM_001354896.2, NM_001407447.1, NM_001407448.1 and 1 more transcripts); c.4511A>T, p.Glu1504Val (NM_001354897.2); c.4406A>T, p.Glu1469Val (NM_001354898.2); c.4397A>T, p.Glu1466Val (NM_001354899.2); c.4358A>T, p.Glu1453Val (NM_001354900.2); c.4304A>T, p.Glu1435Val (NM_001354901.2, NM_001407453.1); and 11 more; short protein forms E1411V, E1435V, E1453V, E1466V, E1522V, E1110V, E1211V, E1368V.
Identifiers: ClinVar variation 1740916 (VCV001740916.2), dbSNP rs2149915821, ClinGen allele CA16031141.

ClinVar aggregate classification (germline): Uncertain significance (1 of 4 stars; one submission).

Conditions:
Hereditary cancer-predisposing syndrome. Also called: Hereditary Cancer Syndrome; Hereditary neoplastic syndrome; Neoplastic Syndromes, Hereditary; Tumor predisposition. Identifiers: Orphanet 140162, MedGen C0027672, MeSH D009386, MONDO:0015356.

Submission:

Ambry Genetics
Classification: Uncertain significance for Hereditary cancer-predisposing syndrome. Last evaluated: 2022-05-21. Review status: criteria provided, single submitter. Criteria: Ambry Variant Classification Scheme 2023. Collection method: clinical testing. Allele origin: germline.
Comment: The p.E1494V variant (also known as c.4481A>T), located in coding exon 15 of the APC gene, results from an A to T substitution at nucleotide position 4481. The glutamic acid at codon 1494 is replaced by valine, an amino acid with dissimilar properties. This amino acid position is conserved. In addition, in silico predictors for this gene do not accurately predict pathogenicity. Since supporting evidence is limited at this time, the clinical significance of this alteration remains unclear.